The following is an entry in ClinVar:

ClinVar aggregate classification (germline): Uncertain significance (1 of 4 stars; one submission).

Allele frequency attached by ClinVar (database versions not stated): gnomAD exomes below 0.00001.
gnomAD v4.1: 2 of 1,613,900 alleles (0.00012%); highest among the groups gnomAD compares: Non-Finnish European, 0.000085%; no homozygotes.

Submission:

Labcorp Genetics (formerly Invitae), Labcorp
Classification: Uncertain significance. Last evaluated: 2025-03-17. Review status: criteria provided, single submitter. Criteria: Invitae Variant Classification Sherloc (09022015). Collection method: clinical testing. Allele origin: germline.
Comment: This sequence change replaces glutamic acid, which is acidic and polar, with lysine, which is basic and polar, at codon 398 of the PRPF6 protein (p.Glu398Lys). This variant is not present in population databases (gnomAD no frequency). This missense change has been observed in individual(s) with clinical features of retinitis pigmentosa (internal data). ClinVar contains an entry for this variant (Variation ID: 1505945). Invitae Evidence Modeling of protein sequence and biophysical properties (such as structural, functional, and spatial information, amino acid conservation, physicochemical variation, residue mobility, and thermodynamic stability) indicates that this missense variant is expected to disrupt PRPF6 protein function with a positive predictive value of 80%. In summary, the available evidence is currently insufficient to determine the role of this variant in disease. Therefore, it has been classified as a Variant of Uncertain Significance.

NM_012469.4(PRPF6):c.1192G>A (p.Glu398Lys)

Gene: PRPF6 (pre-mRNA processing factor 6; plus strand). Cytogenetic location: 20q13.33.
Variant type: single nucleotide variant.
Coding change: c.1192G>A on transcript NM_012469.4 (MANE Select); coding-DNA position 1192, G replaced by A.
Protein change: p.Glu398Lys; replaces glutamic acid 398 with lysine.
Molecular consequence: missense variant.
Genome position (GRCh38, 1-based): chr20:64,010,205, G>A. VCF-style: chr20-64010205-G-A. GRCh37 (hg19) VCF-style: chr20-62641558-G-A.
Other names: short protein forms E398K.
Identifiers: ClinVar variation 1505945 (VCV001505945.8), dbSNP rs2123050898, ClinGen allele CA409724747.